The following is an entry in ClinVar:

ClinVar aggregate classification (germline): Pathogenic. Review status: criteria provided, multiple submitters, no conflicts (2 of 4 stars). 5 submissions from 5 submitters: Pathogenic (2). 3 of the submissions do not count toward it. Last evaluated 2023-07-17.

Conditions:
PDHA1-related disorder. Also called: PDHA1-related condition.
Pyruvate dehydrogenase E1-alpha deficiency (PDHAD). Also called: ATAXIA, INTERMITTENT, WITH PYRUVATE DEHYDROGENASE DEFICIENCY; ATAXIA WITH LACTIC ACIDOSIS I; ATAXIA, INTERMITTENT, WITH ABNORMAL PYRUVATE METABOLISM; Ataxia, intermittent, with pyruvate dehydrogenase, or decarboxylase, deficiency. Identifiers: Orphanet 79243, MedGen C1839413, MONDO:0010717, OMIM 312170.

Submissions (5):

Victorian Clinical Genetics Services, Murdoch Childrens Research Institute
Classification: Pathogenic for Pyruvate dehydrogenase E1-alpha deficiency. Last evaluated: 2023-07-17. Review status: criteria provided, single submitter. Criteria: ACMG Guidelines, 2015. Collection method: clinical testing. Allele origin: germline. Inheritance: X-linked dominant inheritance. Affected: yes.
Comment: Based on the classification scheme VCGS_Germline_v1.3.4, this variant is classified as Pathogenic. Following criteria are met: 0102 - Loss of function is a known mechanism of disease in this gene and is associated with pyruvate dehydrogenase E1-alpha deficiency (MIM#312170). (I) 0110 - This gene is associated with X-linked dominant disease. Males can also be affected; however, severe variants are presumed to be embryonically lethal (PMID: 22142326). Unaffected heterozygous females have also been reported (PMID: 23021068). (I) 0115 - Variants in this gene are known to have variable expressivity. Depending on the residual enzymatic activity, the severity of phenotypic presentation can vary. Additionally, the severity in females is dependent on X-chromosome inactivation patterns (OMIM, PMID: 22142326). (I) 0200 - Variant is predicted to result in a missense amino acid change from arginine to histidine. (I) 0251 - This variant is heterozygous. (I) 0301 - Variant is absent from gnomAD (both v2 and v3). (SP) 0501 - Missense variant consistently predicted to be damaging by multiple in silico tools or highly conserved with a major amino acid change. (SP) 0600 - Variant is located in the annotated dehydrogenase E1 component domain (DECIPHER). (I) 0703 - Other missense variants comparable to the one identified in this case have moderate previous evidence for pathogenicity. (SP) 0802 - This variant has moderate previous evidence of pathogenicity in unrelated individuals. This variant has been classified as pathogenic and observed as de novo by a clinical laboratory in ClinVar, and has been reported in the literature in an individual with pyruvate dehydrogenase complex deficiency (PMID: 10486093). (SP) Legend: (SP) - Supporting pathogenic, (I) - Information, (SB) - Supporting benign

Rady Children's Institute for Genomic Medicine, Rady Children's Hospital San Diego
Classification: Pathogenic for PYRUVATE DEHYDROGENASE E1-ALPHA DEFICIENCY. Last evaluated: 2019-11-01. Review status: criteria provided, single submitter. Criteria: ACMG Guidelines, 2015. Collection method: clinical testing. Allele origin: germline. Affected: yes.
Comment: It is absent from the ExAC and gnomAD population databases and thus is presumed to be rare. The c.977G>A (p.Arg326His) variant affects a highly conserved amino acid and is predicted by multiple in silico tools to have a deleterious effect on protein function. Analysis of the parental samples was negative for the variant, indicating this variant likely occurred as a de novo event. Based on the available evidence, the c.977G>A (p.Arg326His) variant is classified as Pathogenic.

PDHA1 Study Group, University Children’s Hospital, Paracelsus Medical University
Classification: Pathogenic for Pyruvate dehydrogenase E1-alpha deficiency. Last evaluated: 2024-10-15. Review status: no assertion criteria provided. Collection method: research. Allele origin: germline. Affected: yes. Observed: 2 variant alleles. Not counted in ClinVar's aggregate classification.
Comment: The NM_000284.3:c.863G>A (p.Arg288His) substitution is a missense variant in PDHA1 gene. In total, 2 individuals were diagnosed with PDHA1-related Pyruvate dehydrogenase complex (PDHc) deficiency (MIM #312170). The variant has been reported in 1 published case (PMIDs: 10486093). Last literature search: July 12, 2024. This variant is absent or extremely rare in population-based cohorts in the Genome Aggregation Database (gnomAD). Individuals harboring this variant presented with clinical features compatible with PDHA1-related PDHc deficiency. In summary, this variant meets criteria to be classified as pathogenic (P) for PDHA1-related PDHc deficiency based on the ACMG/AMP criteria applied: PS3, PM1, PM2, PM5, PM7, PP3 (last assessment October 15, 2024).

PreventionGenetics, part of Exact Sciences
Classification: Pathogenic for PDHA1-related condition. Last evaluated: 2024-07-13. Review status: no assertion criteria provided. Collection method: clinical testing. Allele origin: germline. Not counted in ClinVar's aggregate classification.
Comment: The PDHA1 c.977G>A variant is predicted to result in the amino acid substitution p.Arg326His. This variant was reported in an individual with Pyruvate dehydrogenase deficiency (Lissens W et al 1999. PubMed ID: 10486093) and in an infant with multiple congenital abnormalities (Retterer et al. 2015. PubMed ID: 6633542). This variant has not been reported in a large population database, indicating this variant is rare. This variant is interpreted as pathogenic.

OMIM
Classification: Pathogenic for PYRUVATE DEHYDROGENASE E1-ALPHA DEFICIENCY. Last evaluated: 1999-10-01. Review status: no assertion criteria provided. Collection method: literature only. Allele origin: germline. Not counted in ClinVar's aggregate classification.

Literature cited by the submitters: PubMed 10486093 (cited by 3 submitters); PubMed 22142326 (cited by Victorian Clinical Genetics Services, Murdoch Childrens Research Institute); PubMed 23021068 (cited by Victorian Clinical Genetics Services, Murdoch Childrens Research Institute); PubMed 31618753 (cited by Victorian Clinical Genetics Services, Murdoch Childrens Research Institute); DOI 10.1093/brain/awaf430 (cited by PDHA1 Study Group, University Children’s Hospital, Paracelsus Medical University).

NM_000284.4(PDHA1):c.863G>A (p.Arg288His)

Gene: PDHA1 (pyruvate dehydrogenase E1 subunit alpha 1; plus strand). Cytogenetic location: Xp22.12.
Variant type: single nucleotide variant.
Coding change: c.863G>A on transcript NM_000284.4 (MANE Select); coding-DNA position 863, G replaced by A.
Protein change: p.Arg288His; replaces arginine 288 with histidine.
Molecular consequence: missense variant.
Genome position (GRCh38, 1-based): chrX:19,357,683, G>A. VCF-style: chrX-19357683-G-A. GRCh37 (hg19) VCF-style: chrX-19375801-G-A.
Other names: c.863G>A (NM_000284.3); c.977G>A, p.Arg326His (NM_001173454.2); c.884G>A, p.Arg295His (NM_001173455.2); c.770G>A, p.Arg257His (NM_001173456.2); short protein forms R288H, R326H, R257H, R295H.
Identifiers: ClinVar variation 10890 (VCV000010890.5), dbSNP rs137853258, ClinGen allele CA121226.